The following is an entry in ClinVar:

NM_017433.5(MYO3A):c.2719G>A (p.Asp907Asn)

Gene: MYO3A (myosin IIIA; plus strand). Cytogenetic location: 10p12.1.
Variant type: single nucleotide variant.
Coding change: c.2719G>A on transcript NM_017433.5 (MANE Select); coding-DNA position 2719, G replaced by A.
Protein change: p.Asp907Asn; replaces aspartic acid 907 with asparagine.
Molecular consequence: missense variant.
Genome position (GRCh38, 1-based): chr10:26,154,749, G>A. VCF-style: chr10-26154749-G-A. GRCh37 (hg19) VCF-style: chr10-26443678-G-A.
Other names: short protein forms D907N.
Identifiers: ClinVar variation 164622 (VCV000164622.6), dbSNP rs727503325, ClinGen allele CA177340.

ClinVar aggregate classification (germline): Uncertain significance. Review status: criteria provided, multiple submitters, no conflicts (2 of 4 stars). 3 submissions from 3 submitters: Uncertain significance (3). Last evaluated 2025-09-15.

Allele frequency attached by ClinVar (database versions not stated): ExAC 0.00001; gnomAD exomes 0.00001; TOPMed 0.00001; gnomAD 0.00003.
gnomAD v4.1: 10 of 1,613,576 alleles (0.00062%); highest among the groups gnomAD compares: South Asian, 0.0044%; no homozygotes.

Submissions (3):

Labcorp Genetics (formerly Invitae), Labcorp
Classification: Uncertain significance. Last evaluated: 2025-09-15. Review status: criteria provided, single submitter. Criteria: Invitae Variant Classification Sherloc (09022015). Collection method: clinical testing. Allele origin: germline.
Comment: This sequence change replaces aspartic acid, which is acidic and polar, with asparagine, which is neutral and polar, at codon 907 of the MYO3A protein (p.Asp907Asn). This variant is present in population databases (rs727503325, gnomAD 0.004%). This variant has not been reported in the literature in individuals affected with MYO3A-related conditions. ClinVar contains an entry for this variant (Variation ID: 164622). An algorithm developed to predict the effect of missense changes on protein structure and function (PolyPhen-2) suggests that this variant is likely to be tolerated. In summary, the available evidence is currently insufficient to determine the role of this variant in disease. Therefore, it has been classified as a Variant of Uncertain Significance.

GeneDx
Classification: Uncertain significance. Last evaluated: 2024-09-11. Review status: criteria provided, single submitter. Criteria: GeneDx Variant Classification Process June 2021. Collection method: clinical testing. Allele origin: germline. Affected: yes.
Comment: In silico analysis indicates that this missense variant does not alter protein structure/function; Has not been previously published as pathogenic or benign to our knowledge

Laboratory for Molecular Medicine, Mass General Brigham Personalized Medicine
Classification: Uncertain significance. Last evaluated: 2013-07-09. Review status: criteria provided, single submitter. Criteria: LMM Criteria. Collection method: clinical testing. Allele origin: germline. Observed: 1 variant allele.
Comment: The Asp907Asn variant in MYO3A has not been reported in individuals with hearing loss and has not been identified in large population studies. Computational ana lyses (biochemical amino acid properties, conservation, AlignGVGD, PolyPhen2, an d SIFT) do not provide strong support for or against an impact on the protein. I n summary, additional studies are needed to fully assess the clinical significan ce of the Asp907Asn variant.